The following is an entry in ClinVar:

ClinVar aggregate classification (germline): Uncertain significance (1 of 4 stars; one submission).

Conditions:
Loeys-Dietz syndrome 2 (LDS2). Also called: AORTIC ANEURYSM, FAMILIAL THORACIC 3; MARFAN SYNDROME, TYPE II; Marfan Syndrome type 2; Marfan like connective tissue disorder; MFS 2; TGFBR2-Related Loeys-Dietz Syndrome. Identifiers: Orphanet 284973, Orphanet 558, MedGen C2674574, MONDO:0012427, OMIM 610168.

Submission:

Labcorp Genetics (formerly Invitae), Labcorp
Classification: Uncertain significance for Loeys-Dietz syndrome 2. Last evaluated: 2022-02-21. Review status: criteria provided, single submitter. Criteria: Invitae Variant Classification Sherloc (09022015). Collection method: clinical testing. Allele origin: germline.
Comment: In summary, the available evidence is currently insufficient to determine the role of this variant in disease. Therefore, it has been classified as a Variant of Uncertain Significance. Algorithms developed to predict the effect of missense changes on protein structure and function output the following: SIFT: "Tolerated"; PolyPhen-2: "Benign"; Align-GVGD: "Class C0". The alanine amino acid residue is found in multiple mammalian species, which suggests that this missense change does not adversely affect protein function. This variant has not been reported in the literature in individuals affected with TMPO-related conditions. This variant is not present in population databases (gnomAD no frequency). This sequence change replaces valine, which is neutral and non-polar, with alanine, which is neutral and non-polar, at codon 91 of the TMPO protein (p.Val91Ala).

NM_001032283.3(TMPO):c.272T>C (p.Val91Ala)

Genes: TMPO (thymopoietin; plus strand), TMPO-AS1 (TMPO antisense RNA 1; minus strand), LOC130008520 (ATAC-STARR-seq lymphoblastoid silent region 4752; plus strand). Cytogenetic location: 12q23.1.
Variant type: single nucleotide variant.
Coding change: c.272T>C on transcript NM_001032283.3 (MANE Select); coding-DNA position 272, T replaced by C.
Protein change: p.Val91Ala; replaces valine 91 with alanine.
Molecular consequence: missense variant. On other transcripts: non-coding transcript variant (1).
Genome position (GRCh38, 1-based): chr12:98,516,139, T>C. VCF-style: chr12-98516139-T-C. GRCh37 (hg19) VCF-style: chr12-98909917-T-C.
Other names: c.272T>C, p.Val91Ala (NM_001032284.3, NM_001307975.2, NM_003276.2); short protein forms V91A.
Identifiers: ClinVar variation 2100775 (VCV002100775.4), dbSNP rs2548489174, ClinGen allele CA386239784.